The following is an entry in ClinVar:

NM_144701.3(IL23R):c.1578G>C (p.Lys526Asn)

Gene: IL23R (interleukin 23 receptor; plus strand). Cytogenetic location: 1p31.3.
Variant type: single nucleotide variant.
Coding change: c.1578G>C on transcript NM_144701.3 (MANE Select); coding-DNA position 1578, G replaced by C.
Protein change: p.Lys526Asn; replaces lysine 526 with asparagine.
Molecular consequence: missense variant.
Genome position (GRCh38, 1-based): chr1:67,258,816, G>C. VCF-style: chr1-67258816-G-C. GRCh37 (hg19) VCF-style: chr1-67724499-G-C.
Other names: short protein forms K526N.
Identifiers: ClinVar variation 2186342 (VCV002186342.4), dbSNP rs751326080, ClinGen allele CA340728760.

ClinVar aggregate classification (germline): Uncertain significance (1 of 4 stars; one submission).

Allele frequency attached by ClinVar (database versions not stated): gnomAD 0.00001.
gnomAD v4.1: 13 of 1,611,912 alleles (0.00081%); highest among the groups gnomAD compares: Non-Finnish European, 0.001%; no homozygotes.

Submission:

Labcorp Genetics (formerly Invitae), Labcorp
Classification: Uncertain significance. Last evaluated: 2026-01-05. Review status: criteria provided, single submitter. Criteria: Invitae Variant Classification Sherloc (09022015). Collection method: clinical testing. Allele origin: germline.
Comment: This sequence change replaces lysine, which is basic and polar, with asparagine, which is neutral and polar, at codon 526 of the IL23R protein (p.Lys526Asn). This variant is present in population databases (no rsID available, gnomAD no frequency). This variant has not been reported in the literature in individuals affected with IL23R-related conditions. ClinVar contains an entry for this variant (Variation ID: 2186342). An algorithm developed to predict the effect of missense changes on protein structure and function outputs the following: PolyPhen-2: "Benign". The asparagine amino acid residue is found in multiple mammalian species, which suggests that this missense change does not adversely affect protein function. In summary, the available evidence is currently insufficient to determine the role of this variant in disease. Therefore, it has been classified as a Variant of Uncertain Significance.